The following is an entry in ClinVar:

NM_033026.6(PCLO):c.2020A>C (p.Lys674Gln)

Gene: PCLO (piccolo presynaptic cytomatrix protein; minus strand). Cytogenetic location: 7q21.11.
Variant type: single nucleotide variant.
Coding change: c.2020A>C on transcript NM_033026.6 (MANE Select); coding-DNA position 2020, A replaced by C.
Protein change: p.Lys674Gln; replaces lysine 674 with glutamine.
Molecular consequence: missense variant.
Genome position (GRCh38, 1-based): chr7:83,135,530, T>G on the plus strand (A>C on the coding strand, the complement: PCLO is on the minus strand). VCF-style: chr7-83135530-T-G. GRCh37 (hg19) VCF-style: chr7-82764846-T-G.
Other names: c.2020A>C, p.Lys674Gln (NM_014510.3); short protein forms K674Q.
Identifiers: ClinVar variation 1486772 (VCV001486772.8), dbSNP rs372535584, ClinGen allele CA161173009.

ClinVar aggregate classification (germline): Uncertain significance (1 of 4 stars; one submission).

Allele frequency attached by ClinVar (database versions not stated): gnomAD exomes below 0.00001.
gnomAD v4.1: 4 of 1,613,804 alleles (0.00025%); highest among the groups gnomAD compares: South Asian, 0.0011%; no homozygotes.

Submission:

Labcorp Genetics (formerly Invitae), Labcorp
Classification: Uncertain significance. Last evaluated: 2021-07-25. Review status: criteria provided, single submitter. Criteria: Invitae Variant Classification Sherloc (09022015). Collection method: clinical testing. Allele origin: germline.
Comment: In summary, the available evidence is currently insufficient to determine the role of this variant in disease. Therefore, it has been classified as a Variant of Uncertain Significance. Algorithms developed to predict the effect of missense changes on protein structure and function are either unavailable or do not agree on the potential impact of this missense change (SIFT: "Tolerated"; PolyPhen-2: "Not Available"; Align-GVGD: "Class C0"). This variant has not been reported in the literature in individuals affected with PCLO-related conditions. This variant is not present in population databases (ExAC no frequency). This sequence change replaces lysine with glutamine at codon 674 of the PCLO protein (p.Lys674Gln). The lysine residue is weakly conserved and there is a small physicochemical difference between lysine and glutamine.